The following is an entry in ClinVar:

NM_032608.7(MYO18B):c.749C>T (p.Thr250Ile)

Gene: MYO18B (myosin XVIIIB; plus strand). Cytogenetic location: 22q12.1.
Variant type: single nucleotide variant.
Coding change: c.749C>T on transcript NM_032608.7 (MANE Select); coding-DNA position 749, C replaced by T.
Protein change: p.Thr250Ile; replaces threonine 250 with isoleucine.
Molecular consequence: missense variant.
Genome position (GRCh38, 1-based): chr22:25,768,665, C>T. VCF-style: chr22-25768665-C-T. GRCh37 (hg19) VCF-style: chr22-26164632-C-T.
Other names: c.749C>T, p.Thr250Ile (NM_001318245.2); short protein forms T250I.
Identifiers: ClinVar variation 1969053 (VCV001969053.2), dbSNP rs1297539480, ClinGen allele CA411003313.

ClinVar aggregate classification (germline): Uncertain significance (1 of 4 stars; one submission).

Allele frequency attached by ClinVar (database versions not stated): gnomAD 0.00001; TOPMed 0.00001.

Submission:

Labcorp Genetics (formerly Invitae), Labcorp
Classification: Uncertain significance. Last evaluated: 2022-03-20. Review status: criteria provided, single submitter. Criteria: Invitae Variant Classification Sherloc (09022015). Collection method: clinical testing. Allele origin: germline.
Comment: This sequence change replaces threonine, which is neutral and polar, with isoleucine, which is neutral and non-polar, at codon 250 of the MYO18B protein (p.Thr250Ile). This variant is not present in population databases (gnomAD no frequency). This variant has not been reported in the literature in individuals affected with MYO18B-related conditions. Algorithms developed to predict the effect of missense changes on protein structure and function are either unavailable or do not agree on the potential impact of this missense change (SIFT: "Not Available"; PolyPhen-2: "Possibly Damaging"; Align-GVGD: "Not Available"). In summary, the available evidence is currently insufficient to determine the role of this variant in disease. Therefore, it has been classified as a Variant of Uncertain Significance.